The following is an entry in ClinVar:

ClinVar aggregate classification (germline): Conflicting classifications of pathogenicity. Review status: criteria provided, conflicting classifications (1 of 4 stars). 11 submissions from 11 submitters: Uncertain significance (4); Likely benign (6). 1 of the submissions does not count toward it. Last evaluated 2026-02-01.

Conditions:
VPS13A-related neurodegenerative disease. Also called: VPS13A Disease; Choreaacanthocytosis; Choreoacanthocytosis; Chorea-acanthocytosis; ACANTHOCYTOSIS WITH NEUROLOGIC DISORDER; LEVINE-CRITCHLEY SYNDROME. Identifiers: Orphanet 2388, MedGen C0393576, MONDO:0008695, OMIM 200150.
Inborn genetic diseases. Identifiers: MedGen C0950123, MeSH D030342.

Allele frequency attached by ClinVar (database versions not stated): TOPMed 0.00087; 1000 Genomes Project 30x 0.00094; gnomAD 0.00061; ESP Exome Variant Server 0.00069; 1000 Genomes Project 0.00080.
gnomAD v4.1: 2,317 of 1,613,974 alleles (0.14%); highest among the groups gnomAD compares: Non-Finnish European, 0.19%; 5 homozygotes.

Submissions (11):

CeGaT Center for Human Genetics Tuebingen
Classification: Likely benign. Last evaluated: 2026-02-01. Review status: criteria provided, single submitter. Criteria: CeGaT Center For Human Genetics Tuebingen Variant Classification Criteria Version 2. Collection method: clinical testing. Allele origin: germline. Affected: yes. Observed: 2 variant alleles.
Comment: VPS13A: BP4, BS2

Blueprint Genetics
Classification: Likely benign. Last evaluated: 2024-11-19. Review status: criteria provided, single submitter. Criteria: ACMG Guidelines, 2015. Collection method: clinical testing. Allele origin: germline.

Mayo Clinic Laboratories, Mayo Clinic
Classification: Likely benign. Last evaluated: 2024-09-26. Review status: criteria provided, single submitter. Criteria: ACMG Guidelines, 2015. Collection method: clinical testing. Allele origin: germline. Observed: 4 variant alleles.
Comment: BS1, BP4

Women's Health and Genetics/Laboratory Corporation of America, LabCorp
Classification: Likely benign. Last evaluated: 2024-07-03. Review status: criteria provided, single submitter. Criteria: LabCorp Variant Classification Summary - May 2015. Collection method: clinical testing. Allele origin: germline.
Comment: Variant summary: VPS13A c.2201G>A (p.Ser734Asn) results in a conservative amino acid change located in the middle RBG modules region (IPR031642) of the encoded protein sequence. Five of five in-silico tools predict a benign effect of the variant on protein function. The variant allele was found at a frequency of 0.0014 in 1607002 control chromosomes in the gnomAD database (v4.1 dataset), including 5 homozygotes. The observed variant frequency is approximately 1.3-fold of the estimated maximal expected allele frequency for a pathogenic variant in VPS13A causing Choreoacanthocytosis phenotype (0.0011). To our knowledge, no occurrence of c.2201G>A in individuals affected with Choreoacanthocytosis and no experimental evidence demonstrating its impact on protein function have been reported. ClinVar contains an entry for this variant (Variation ID: 367364). Based on the evidence outlined above, the variant was classified as likely benign.

Labcorp Genetics (formerly Invitae), Labcorp
Classification: Uncertain significance. Last evaluated: 2022-08-16. Review status: criteria provided, single submitter. Criteria: Invitae Variant Classification Sherloc (09022015). Collection method: clinical testing. Allele origin: germline.
Comment: This sequence change replaces serine, which is neutral and polar, with asparagine, which is neutral and polar, at codon 734 of the VPS13A protein (p.Ser734Asn). This variant is present in population databases (rs117320408, gnomAD 0.1%), and has an allele count higher than expected for a pathogenic variant. This variant has not been reported in the literature in individuals affected with VPS13A-related conditions. ClinVar contains an entry for this variant (Variation ID: 367364). Algorithms developed to predict the effect of missense changes on protein structure and function output the following: SIFT: "Tolerated"; PolyPhen-2: "Benign"; Align-GVGD: "Class C0". The asparagine amino acid residue is found in multiple mammalian species, which suggests that this missense change does not adversely affect protein function. In summary, the available evidence is currently insufficient to determine the role of this variant in disease. Therefore, it has been classified as a Variant of Uncertain Significance.

Ambry Genetics
Classification: Likely benign for Inborn genetic diseases. Last evaluated: 2021-09-01. Review status: criteria provided, single submitter. Criteria: Ambry Variant Classification Scheme 2023. Collection method: clinical testing. Allele origin: germline.

GeneDx
Classification: Likely benign. Last evaluated: 2020-09-14. Review status: criteria provided, single submitter. Criteria: GeneDx Variant Classification Process June 2021. Collection method: clinical testing. Allele origin: germline. Affected: yes.

Fulgent Genetics
Classification: Uncertain significance for VPS13A-related neurodegenerative disease. Last evaluated: 2018-10-31. Review status: criteria provided, single submitter. Criteria: ACMG Guidelines, 2015. Collection method: clinical testing. Allele origin: unknown.

Illumina Laboratory Services, Illumina
Classification: Uncertain significance for VPS13A-related neurodegenerative disease. Last evaluated: 2018-01-12. Review status: criteria provided, single submitter. Criteria: ICSL Variant Classification Criteria 13 December 2019. Collection method: clinical testing. Allele origin: germline.

Athena Diagnostics
Classification: Uncertain significance. Last evaluated: 2017-03-07. Review status: criteria provided, single submitter. Criteria: Athena Diagnostics Criteria. Collection method: clinical testing. Allele origin: germline.

Natera, Inc.
Classification: Likely benign for Choreaacanthocytosis. Last evaluated: 2020-06-05. Review status: no assertion criteria provided. Collection method: clinical testing. Allele origin: germline. Not counted in ClinVar's aggregate classification.

NM_033305.3(VPS13A):c.2201G>A (p.Ser734Asn)

Gene: VPS13A (vacuolar protein sorting 13 homolog A; plus strand). Cytogenetic location: 9q21.2.
Variant type: single nucleotide variant.
Coding change: c.2201G>A on transcript NM_033305.3 (MANE Select); coding-DNA position 2201, G replaced by A.
Protein change: p.Ser734Asn; replaces serine 734 with asparagine.
Molecular consequence: missense variant.
Genome position (GRCh38, 1-based): chr9:77,252,265, G>A. VCF-style: chr9-77252265-G-A. GRCh37 (hg19) VCF-style: chr9-79867181-G-A.
Other names: c.2201G>A, p.Ser734Asn (NM_001018037.2, NM_001018038.3, NM_015186.4); short protein forms S734N.
Identifiers: ClinVar variation 367364 (VCV000367364.39), dbSNP rs117320408, ClinGen allele CA5091890.